The following is an entry in ClinVar:

ClinVar aggregate classification (germline): Benign (1 of 4 stars; one submission).

Allele frequency attached by ClinVar (database versions not stated): 1000 Genomes Project 30x 0.00297; 1000 Genomes Project 0.00319; gnomAD 0.00682; TOPMed 0.00732; gnomAD exomes 0.03571.
gnomAD v4.1: 1,043 of 152,370 alleles (0.68%); highest among the groups gnomAD compares: Non-Finnish European, 1.1%; 9 homozygotes.

Submission:

CeGaT Center for Human Genetics Tuebingen
Classification: Benign. Last evaluated: 2023-01-01. Review status: criteria provided, single submitter. Criteria: CeGaT Center For Human Genetics Tuebingen Variant Classification Criteria Version 2. Collection method: clinical testing. Allele origin: germline. Affected: yes. Observed: 1 variant allele.
Comment: DOCK8: BS1, BS2

NM_203447.4(DOCK8):c.157-5579C>G

Gene: DOCK8 (dedicator of cytokinesis 8; plus strand). Cytogenetic location: 9p24.3.
Variant type: single nucleotide variant.
Coding change: c.157-5579C>G on transcript NM_203447.4 (MANE Select); 5579 bases into the intron before coding-DNA position 157, C replaced by G.
Molecular consequence: intron variant.
Genome position (GRCh38, 1-based): chr9:280,882, C>G. VCF-style: chr9-280882-C-G. GRCh37 (hg19) VCF-style: chr9-280882-C-G.
Other names: c.-48-5579C>G (NM_001193536.2, NM_001190458.2).
Identifiers: ClinVar variation 2659013 (VCV002659013.24), dbSNP rs141524449, ClinGen allele CA187767420.